The following is an entry in ClinVar:

ClinVar aggregate classification (germline): Likely pathogenic (1 of 4 stars; one submission).

Conditions:
Renal cysts and diabetes syndrome (RCAD). Also called: Familial hypoplastic, glomerulocystic kidney; MATURITY-ONSET DIABETES OF THE YOUNG, TYPE 5. Identifiers: Orphanet 93111, MedGen C0431693, MONDO:0007669, OMIM 137920.

Submission:

Institute of Human Genetics, FAU Erlangen, Friedrich-Alexander-Universität Erlangen-Nürnberg
Classification: Likely pathogenic for Renal cysts and diabetes syndrome. Last evaluated: 2019-07-06. Review status: criteria provided, single submitter. Criteria: ACMG Guidelines, 2015. Collection method: literature only. Allele origin: germline. Affected: yes.
Comment: This variant and it's classification has been reported by Vasileiou et al. 2019; DOI:10.1101/576918. The variants has previously been reported in PMID:24387224 as "c.940G>A p.Ala314Thr" with clinical significance Pathogenic. It has been re-classified using InterVar and manual curation as Likely pathogenic based on PM1 PM2 PP3 PP5.

Literature cited by the submitters: PubMed 24387224; DOI 10.1101/576918.

NM_000458.4(HNF1B):c.940G>A (p.Ala314Thr)

Gene: HNF1B (HNF1 homeobox B; minus strand). Cytogenetic location: 17q12.
Variant type: single nucleotide variant.
Coding change: c.940G>A on transcript NM_000458.4 (MANE Select); coding-DNA position 940, G replaced by A.
Protein change: p.Ala314Thr; replaces alanine 314 with threonine.
Molecular consequence: missense variant.
Genome position (GRCh38, 1-based): chr17:37,731,700, C>T on the plus strand (G>A on the coding strand, the complement: HNF1B is on the minus strand). VCF-style: chr17-37731700-C-T. GRCh37 (hg19) VCF-style: chr17-36091691-C-T.
Other names: c.862G>A, p.Ala288Thr (NM_001165923.4, NM_001304286.2); short protein forms A314T, A288T.
Identifiers: ClinVar variation 635624 (VCV000635624.1), dbSNP rs1457574807, ClinGen allele CA398746594.